The following is an entry in ClinVar:

NM_000053.4(ATP7B):c.2546A>G (p.Asn849Ser)

Gene: ATP7B (ATPase copper transporting beta; minus strand). Cytogenetic location: 13q14.3.
Variant type: single nucleotide variant.
Coding change: c.2546A>G on transcript NM_000053.4 (MANE Select); coding-DNA position 2546, A replaced by G.
Protein change: p.Asn849Ser; replaces asparagine 849 with serine.
Molecular consequence: missense variant.
Genome position (GRCh38, 1-based): chr13:51,950,301, T>C on the plus strand (A>G on the coding strand, the complement: ATP7B is on the minus strand). VCF-style: chr13-51950301-T-C. GRCh37 (hg19) VCF-style: chr13-52524437-T-C.
Other names: c.2060A>G, p.Asn687Ser (NM_001005918.3, NM_001406541.1, NM_001406542.1 and 1 more transcripts); c.2213A>G, p.Asn738Ser (NM_001243182.2); c.2312A>G, p.Asn771Ser (NM_001330578.2, NM_001406527.1, NM_001406528.1 and 2 more transcripts); c.2294A>G, p.Asn765Ser (NM_001330579.2, NM_001406540.1, NM_001406531.1 and 1 more transcripts); c.2546A>G, p.Asn849Ser (NM_001406511.1, NM_001406512.1, NM_001406513.1 and 7 more transcripts); c.2513A>G, p.Asn838Ser (NM_001406514.1); c.2450A>G, p.Asn817Ser (NM_001406517.1, NM_001406518.1); c.2402A>G, p.Asn801Ser (NM_001406520.1, NM_001406521.1, NM_001406522.1 and 1 more transcripts); and 7 more; short protein forms N687S, N739S, N771S, N633S, N738S, N769S, N838S, N849S.
Identifiers: ClinVar variation 2172517 (VCV002172517.1), dbSNP rs1305481682, ClinGen allele CA388016005.

ClinVar aggregate classification (germline): Uncertain significance (1 of 4 stars; one submission).

Conditions:
Wilson disease (WND). Also called: Wilson's disease. Identifiers: Orphanet 905, MedGen C0019202, MONDO:0010200, OMIM 277900. Disease mechanism: loss of function.

Allele frequency attached by ClinVar (database versions not stated): gnomAD exomes below 0.00001.
gnomAD v4.1: 1 of 1,614,148 alleles (0.000062%); highest among the groups gnomAD compares: Admixed American, 0.0017%; no homozygotes.

Submission:

Labcorp Genetics (formerly Invitae), Labcorp
Classification: Uncertain significance for Wilson disease. Last evaluated: 2022-09-27. Review status: criteria provided, single submitter. Criteria: Invitae Variant Classification Sherloc (09022015). Collection method: clinical testing. Allele origin: germline.
Comment: This sequence change replaces asparagine, which is neutral and polar, with serine, which is neutral and polar, at codon 849 of the ATP7B protein (p.Asn849Ser). This variant is present in population databases (no rsID available, gnomAD 0.003%). This variant has not been reported in the literature in individuals affected with ATP7B-related conditions. Advanced modeling of protein sequence and biophysical properties (such as structural, functional, and spatial information, amino acid conservation, physicochemical variation, residue mobility, and thermodynamic stability) performed at Invitae indicates that this missense variant is not expected to disrupt ATP7B protein function. In summary, the available evidence is currently insufficient to determine the role of this variant in disease. Therefore, it has been classified as a Variant of Uncertain Significance.